The following is an entry in ClinVar:

NM_194248.3(OTOF):c.3049G>T (p.Glu1017Ter)

Gene: OTOF (otoferlin; minus strand). Cytogenetic location: 2p23.3.
Variant type: single nucleotide variant.
Coding change: c.3049G>T on transcript NM_194248.3 (MANE Select); coding-DNA position 3049, G replaced by T.
Protein change: p.Glu1017Ter; replaces glutamic acid 1017 with a stop codon.
Molecular consequence: nonsense.
Genome position (GRCh38, 1-based): chr2:26,475,436, C>A on the plus strand (G>T on the coding strand, the complement: OTOF is on the minus strand). VCF-style: chr2-26475436-C-A. GRCh37 (hg19) VCF-style: chr2-26698304-C-A.
Other names: c.3049G>T, p.Glu1017Ter (NM_001287489.2); c.808G>T, p.Glu270Ter (NM_004802.4, NM_194323.3); c.979G>T, p.Glu327Ter (NM_194322.3); short protein forms E1017*, E270*, E327*.
Identifiers: ClinVar variation 1185578 (VCV001185578.5), dbSNP rs2148046428, ClinGen allele CA346110348.

ClinVar aggregate classification (germline): Pathogenic. Review status: criteria provided, multiple submitters, no conflicts (2 of 4 stars). 3 submissions from 3 submitters: Pathogenic (3). Last evaluated 2023-06-02.

Conditions:
Autosomal recessive nonsyndromic hearing loss 9. Also called: Deafness, autosomal recessive 9; AUDITORY NEUROPATHY, AUTOSOMAL RECESSIVE, 1, TEMPERATURE-SENSITIVE; NEUROSENSORY NONSYNDROMIC RECESSIVE DEAFNESS 9; OTOF-Related Hearing Loss. Identifiers: Orphanet 90636, MedGen C1832828, MONDO:0010986, OMIM 601071.
Bilateral sensorineural hearing impairment. Also called: Bilateral sensorineural hearing loss. Identifiers: MedGen C0452138, HP:0008619.

Submissions (3):

Labcorp Genetics (formerly Invitae), Labcorp
Classification: Pathogenic. Last evaluated: 2023-06-02. Review status: criteria provided, single submitter. Criteria: Invitae Variant Classification Sherloc (09022015). Collection method: clinical testing. Allele origin: germline.
Comment: For these reasons, this variant has been classified as Pathogenic. This premature translational stop signal has been observed in individual(s) with auditory neuropathy (PMID: 34599368). ClinVar contains an entry for this variant (Variation ID: 1185578). This variant is not present in population databases (gnomAD no frequency). This sequence change creates a premature translational stop signal (p.Glu1017*) in the OTOF gene. It is expected to result in an absent or disrupted protein product. Loss-of-function variants in OTOF are known to be pathogenic (PMID: 18381613, 19250381, 22575033).

Laboratory of Human Genetics, Institute of Biosciences - University of Sao Paulo
Classification: Pathogenic for Bilateral sensorineural hearing impairment. Review status: criteria provided, single submitter. Criteria: ClinGen HL ACMG Specifications v1. Collection method: research. Allele origin: germline. Affected: yes. Observed: 1 compound heterozygote. Segregation with disease observed.

Laboratory of Molecular, Cellular and Translation Genetics in Otolaryngology/ Lim32-hcfmusp, University of Sao Paulo School of Medicine Clinics Hospital
Classification: Pathogenic for Autosomal recessive nonsyndromic hearing loss 9. Review status: criteria provided, single submitter. Criteria: ClinGen HL ACMG Specifications v1. Collection method: research. Allele origin: germline. Inheritance: Autosomal recessive inheritance. Affected: yes. Observed: 2 variant alleles, 2 compound heterozygotes. Clinical features observed: Prelingual sensorineural hearing impairment (HP:0000399).
Comment: in compound heterozygosis with the c.3400C>T variant in two siblings with bilateral non-syndromic sensorineural prelingual hearing loss (familial)

Literature cited by the submitters: PubMed 34599368 (cited by Labcorp Genetics (formerly Invitae), Labcorp and Laboratory of Molecular, Cellular and Translation Genetics in Otolaryngology/ Lim32-hcfmusp, University of Sao Paulo School of Medicine Clinics Hospital); PubMed 18381613 (cited by Labcorp Genetics (formerly Invitae), Labcorp); PubMed 19250381 (cited by Labcorp Genetics (formerly Invitae), Labcorp); PubMed 22575033 (cited by Labcorp Genetics (formerly Invitae), Labcorp); PubMed 34652575 (cited by Laboratory of Human Genetics, Institute of Biosciences - University of Sao Paulo); PubMed 19461658 (cited by Laboratory of Human Genetics, Institute of Biosciences - University of Sao Paulo).